The following is an entry in ClinVar:

NM_001042646.3(TRAK1):c.2590C>T (p.Pro864Ser)

Gene: TRAK1 (trafficking kinesin protein 1; plus strand). Cytogenetic location: 3p22.1.
Variant type: single nucleotide variant.
Coding change: c.2590C>T on transcript NM_001042646.3 (MANE Select); coding-DNA position 2590, C replaced by T.
Protein change: p.Pro864Ser; replaces proline 864 with serine.
Molecular consequence: missense variant. On other transcripts: non-coding transcript variant (1), 3 prime UTR variant (1).
Genome position (GRCh38, 1-based): chr3:42,223,465, C>T. VCF-style: chr3-42223465-C-T. GRCh37 (hg19) VCF-style: chr3-42264957-C-T.
Other names: c.2368C>T, p.Pro790Ser (NM_001349249.1); c.2416C>T, p.Pro806Ser (NM_001410741.1); c.2215C>T, p.Pro739Ser (NM_001349245.1); c.2527C>T, p.Pro843Ser (NM_001349246.2); c.*544C>T (NM_001349247.2); c.2305C>T, p.Pro769Ser (NM_001349248.1); short protein forms P806S, P843S, P739S, P864S, P769S, P790S.
Identifiers: ClinVar variation 3698621 (VCV003698621.2).

ClinVar aggregate classification (germline): Uncertain significance (1 of 4 stars; one submission).

Submission:

Labcorp Genetics (formerly Invitae), Labcorp
Classification: Uncertain significance. Last evaluated: 2024-04-29. Review status: criteria provided, single submitter. Criteria: Invitae Variant Classification Sherloc (09022015). Collection method: clinical testing. Allele origin: germline.
Comment: This sequence change replaces proline, which is neutral and non-polar, with serine, which is neutral and polar, at codon 864 of the TRAK1 protein (p.Pro864Ser). This variant is not present in population databases (gnomAD no frequency). This variant has not been reported in the literature in individuals affected with TRAK1-related conditions. An algorithm developed to predict the effect of missense changes on protein structure and function (PolyPhen-2) suggests that this variant is likely to be tolerated. In summary, the available evidence is currently insufficient to determine the role of this variant in disease. Therefore, it has been classified as a Variant of Uncertain Significance.